The following is an entry in ClinVar:

NM_001005361.3(DNM2):c.2248C>A (p.Pro750Thr)

Gene: DNM2 (dynamin 2; plus strand). Cytogenetic location: 19p13.2.
Variant type: single nucleotide variant.
Coding change: c.2248C>A on transcript NM_001005361.3 (MANE Select); coding-DNA position 2248, C replaced by A.
Protein change: p.Pro750Thr; replaces proline 750 with threonine.
Molecular consequence: missense variant.
Genome position (GRCh38, 1-based): chr19:10,829,225, C>A. VCF-style: chr19-10829225-C-A. GRCh37 (hg19) VCF-style: chr19-10939901-C-A.
Other names: c.2248C>A, p.Pro750Thr (NM_001005360.3, NM_001190716.2); c.2236C>A, p.Pro746Thr (NM_001005362.3, NM_004945.4); short protein forms P746T, P750T.
Identifiers: ClinVar variation 804756 (VCV000804756.4), dbSNP rs1173091380, ClinGen allele CA404043161.

ClinVar aggregate classification (germline): Uncertain significance. Review status: criteria provided, multiple submitters, no conflicts (2 of 4 stars). 2 submissions from 2 submitters: Uncertain significance (2). Last evaluated 2022-11-19.

Conditions:
Charcot-Marie-Tooth disease dominant intermediate B (CMTDIB). Also called: Charcot-Marie-Tooth disease dominant intermediate 1; CMT DI1; Charcot-Marie-Tooth disease dominant intermediate I; CHARCOT-MARIE-TOOTH NEUROPATHY, DOMINANT INTERMEDIATE B. Identifiers: Orphanet 100044, Orphanet 228179, MedGen C1847902, MONDO:0011674, OMIM 606482.

Allele frequency attached by ClinVar (database versions not stated): gnomAD exomes below 0.00001.
gnomAD v4.1: 1 of 1,614,010 alleles (0.000062%); highest among the groups gnomAD compares: Non-Finnish European, 0.000085%; no homozygotes.

Submissions (2):

Labcorp Genetics (formerly Invitae), Labcorp
Classification: Uncertain significance for Charcot-Marie-Tooth disease dominant intermediate B. Last evaluated: 2022-11-19. Review status: criteria provided, single submitter. Criteria: Invitae Variant Classification Sherloc (09022015). Collection method: clinical testing. Allele origin: germline.
Comment: In summary, the available evidence is currently insufficient to determine the role of this variant in disease. Therefore, it has been classified as a Variant of Uncertain Significance. Advanced modeling of protein sequence and biophysical properties (such as structural, functional, and spatial information, amino acid conservation, physicochemical variation, residue mobility, and thermodynamic stability) has been performed at Invitae for this missense variant, however the output from this modeling did not meet the statistical confidence thresholds required to predict the impact of this variant on DNM2 protein function. ClinVar contains an entry for this variant (Variation ID: 804756). This variant has not been reported in the literature in individuals affected with DNM2-related conditions. This variant is present in population databases (no rsID available, gnomAD 0.0009%). This sequence change replaces proline, which is neutral and non-polar, with threonine, which is neutral and polar, at codon 750 of the DNM2 protein (p.Pro750Thr).

Athena Diagnostics
Classification: Uncertain significance. Last evaluated: 2019-01-03. Review status: criteria provided, single submitter. Criteria: Athena Diagnostics Criteria. Collection method: clinical testing. Allele origin: germline.